The following is an entry in ClinVar:

ClinVar aggregate classification (germline): Benign/Likely benign. Review status: criteria provided, multiple submitters, no conflicts (2 of 4 stars). 3 submissions from 3 submitters: Benign (1); Likely benign (2). Last evaluated 2024-11-23.

Conditions:
Multiple endocrine neoplasia, type 1 (MEN1). Also called: MEN I; WERMER SYNDROME; Endocrine adenomatosis multiple; MEN 1; MEA I. Identifiers: Orphanet 652, MedGen C0025267, MeSH D018761, MONDO:0007540, OMIM 131100.
Hereditary cancer-predisposing syndrome. Also called: Neoplastic Syndromes, Hereditary; Hereditary neoplastic syndrome; Hereditary Cancer Syndrome; Tumor predisposition. Identifiers: Orphanet 140162, MedGen C0027672, MeSH D009386, MONDO:0015356.

gnomAD v4.1: 1 of 1,613,998 alleles (0.000062%); highest among the groups gnomAD compares: Non-Finnish European, 0.000085%; no homozygotes.

Submissions (3):

Labcorp Genetics (formerly Invitae), Labcorp
Classification: Likely benign for Multiple endocrine neoplasia, type 1. Last evaluated: 2024-11-23. Review status: criteria provided, single submitter. Criteria: Invitae Variant Classification Sherloc (09022015). Collection method: clinical testing. Allele origin: germline.

Myriad Genetics, Inc.
Classification: Benign for Multiple endocrine neoplasia, type 1. Last evaluated: 2024-11-04. Review status: criteria provided, single submitter. Criteria: Myriad Autosomal Dominant, Autosomal Recessive and X-Linked Classification Criteria (2023). Collection method: clinical testing. Allele origin: unknown.
Comment: This variant is considered benign. This variant is a silent/synonymous amino acid change and it is not expected to impact splicing.

Ambry Genetics
Classification: Likely benign for Hereditary cancer-predisposing syndrome. Last evaluated: 2023-12-22. Review status: criteria provided, single submitter. Criteria: Ambry Variant Classification Scheme 2023. Collection method: clinical testing. Allele origin: germline.

NM_001370259.2(MEN1):c.1155G>T (p.Ala385=)

Gene: MEN1 (menin 1; minus strand). Cytogenetic location: 11q13.1.
Variant type: single nucleotide variant.
Coding change: c.1155G>T on transcript NM_001370259.2 (MANE Select); coding-DNA position 1155, G replaced by T.
Protein change: p.Ala385=; no amino-acid change (alanine 385 retained).
Molecular consequence: synonymous variant.
Genome position (GRCh38, 1-based): chr11:64,805,665, C>A on the plus strand (G>T on the coding strand, the complement: MEN1 is on the minus strand). VCF-style: chr11-64805665-C-A. GRCh37 (hg19) VCF-style: chr11-64573137-C-A.
Other names: c.1155G>T (NM_130799.2); c.1170G>T, p.Ala390= (NM_000244.4, NM_130800.3, NM_130801.3 and 3 more transcripts); c.1281G>T, p.Ala427= (NM_001370251.2); c.1155G>T, p.Ala385= (NM_001370260.2, NM_001370261.2, NM_130799.3); c.1050G>T, p.Ala350= (NM_001370262.2, NM_001370263.2).
Identifiers: ClinVar variation 1084253 (VCV001084253.11), dbSNP rs201091135, ClinGen allele CA474983090.